The following is an entry in ClinVar:

NM_001386093.1(ATP6AP1L):c.568T>C (p.Tyr190His)

Gene: ATP6AP1L (ATPase H+ transporting accessory protein 1 like; plus strand). Cytogenetic location: 5q14.2.
Variant type: single nucleotide variant.
Coding change: c.568T>C on transcript NM_001386093.1; coding-DNA position 568, T replaced by C.
Protein change: p.Tyr190His; replaces tyrosine 190 with histidine.
Molecular consequence: missense variant. On other transcripts: non-coding transcript variant (18).
Genome position (GRCh38, 1-based): chr5:82,312,744, T>C. VCF-style: chr5-82312744-T-C. GRCh37 (hg19) VCF-style: chr5-81608563-T-C.
Other names: short protein forms Y190H.
Identifiers: ClinVar variation 2655574 (VCV002655574.24), dbSNP rs61740965, ClinGen allele CA3331754.

ClinVar aggregate classification (germline): Likely benign (1 of 4 stars; one submission).

Allele frequency attached by ClinVar (database versions not stated): 1000 Genomes Project 30x 0.00234; 1000 Genomes Project 0.00260; ESP Exome Variant Server 0.00377; ExAC 0.00383; gnomAD 0.00417; TOPMed 0.00429; gnomAD exomes 0.00562.

Submission:

CeGaT Center for Human Genetics Tuebingen
Classification: Likely benign. Last evaluated: 2023-01-01. Review status: criteria provided, single submitter. Criteria: CeGaT Center For Human Genetics Tuebingen Variant Classification Criteria Version 2. Collection method: clinical testing. Allele origin: germline. Affected: yes. Observed: 1 variant allele.
Comment: ATP6AP1L: BP4, BS2